The following is an entry in ClinVar:

ClinVar aggregate classification (germline): Likely benign. Review status: criteria provided, multiple submitters, no conflicts (2 of 4 stars). 2 submissions from 2 submitters: Likely benign (2). Last evaluated 2024-03-05.

Allele frequency attached by ClinVar (database versions not stated): TOPMed below 0.00001.

Submissions (2):

Labcorp Genetics (formerly Invitae), Labcorp
Classification: Likely benign. Last evaluated: 2024-03-05. Review status: criteria provided, single submitter. Criteria: Invitae Variant Classification Sherloc (09022015). Collection method: clinical testing. Allele origin: germline.

GeneDx
Classification: Likely benign. Last evaluated: 2016-09-16. Review status: criteria provided, single submitter. Criteria: GeneDx Variant Classification (06012015). Collection method: clinical testing. Allele origin: germline. Affected: yes.
Comment: This variant is considered likely benign or benign based on one or more of the following criteria: it is a conservative change, it occurs at a poorly conserved position in the protein, it is predicted to be benign by multiple in silico algorithms, and/or has population frequency not consistent with disease.

NM_018109.4(MTPAP):c.1128A>G (p.Thr376=)

Gene: MTPAP (mitochondrial poly(A) polymerase; minus strand). Cytogenetic location: 10p11.23.
Variant type: single nucleotide variant.
Coding change: c.1128A>G on transcript NM_018109.4 (MANE Select); coding-DNA position 1128, A replaced by G.
Protein change: p.Thr376=; no amino-acid change (threonine 376 retained).
Molecular consequence: synonymous variant.
Genome position (GRCh38, 1-based): chr10:30,322,482, T>C on the plus strand (A>G on the coding strand, the complement: MTPAP is on the minus strand). VCF-style: chr10-30322482-T-C. GRCh37 (hg19) VCF-style: chr10-30611411-T-C.
Identifiers: ClinVar variation 389046 (VCV000389046.3), dbSNP rs1057523310, ClinGen allele CA16606013.